The following is an entry in ClinVar:

ClinVar aggregate classification (germline): Likely benign. Review status: criteria provided, multiple submitters, no conflicts (2 of 4 stars). 4 submissions from 4 submitters: Likely benign (4). Last evaluated 2024-07-26.

Conditions:
Multiple endocrine neoplasia, type 1 (MEN1). Also called: MEA I; MEN I; WERMER SYNDROME; Endocrine adenomatosis multiple; MEN 1. Identifiers: Orphanet 652, MedGen C0025267, MeSH D018761, MONDO:0007540, OMIM 131100.
Hereditary cancer-predisposing syndrome. Also called: Hereditary Cancer Syndrome; Hereditary neoplastic syndrome; Neoplastic Syndromes, Hereditary; Tumor predisposition. Identifiers: Orphanet 140162, MedGen C0027672, MeSH D009386, MONDO:0015356.

Submissions (4):

Labcorp Genetics (formerly Invitae), Labcorp
Classification: Likely benign for Multiple endocrine neoplasia, type 1. Last evaluated: 2024-07-26. Review status: criteria provided, single submitter. Criteria: Invitae Variant Classification Sherloc (09022015). Collection method: clinical testing. Allele origin: germline.

All of Us Research Program, National Institutes of Health
Classification: Likely benign for Multiple endocrine neoplasia, type 1. Last evaluated: 2023-11-20. Review status: criteria provided, single submitter. Criteria: ACMG Guidelines, 2015. Collection method: clinical testing. Allele origin: germline. Inheritance: Autosomal dominant inheritance. Observed: 1 variant allele, 1 heterozygote.
Comment: This study involves interpretation of variants in research participants for the purpose of population health screening. Participant phenotype was not available at the time of variant classification. Additional details can be found in publication PMID: 35346344, PMCID: PMC8962531

Sema4
Classification: Likely benign for Hereditary cancer-predisposing syndrome. Last evaluated: 2021-12-29. Review status: criteria provided, single submitter. Criteria: Sema4 Curation Guidelines. Collection method: curation. Allele origin: germline.

Ambry Genetics
Classification: Likely benign for Hereditary cancer-predisposing syndrome. Last evaluated: 2021-04-27. Review status: criteria provided, single submitter. Criteria: Ambry Variant Classification Scheme 2023. Collection method: clinical testing. Allele origin: germline.

NM_001370259.2(MEN1):c.102G>C (p.Leu34=)

Gene: MEN1 (menin 1; minus strand). Cytogenetic location: 11q13.1.
Variant type: single nucleotide variant.
Coding change: c.102G>C on transcript NM_001370259.2 (MANE Select); coding-DNA position 102, G replaced by C.
Protein change: p.Leu34=; no amino-acid change (leucine 34 retained).
Molecular consequence: synonymous variant.
Genome position (GRCh38, 1-based): chr11:64,810,008, C>G on the plus strand (G>C on the coding strand, the complement: MEN1 is on the minus strand). VCF-style: chr11-64810008-C-G. GRCh37 (hg19) VCF-style: chr11-64577480-C-G.
Other names: c.102G>C, p.Leu34= (NM_001370260.2, NM_001370261.2, NM_001370262.2 and 9 more transcripts).
Identifiers: ClinVar variation 1149787 (VCV001149787.13), dbSNP rs1255708093, ClinGen allele CA475163048.